The following is an entry in ClinVar:

NM_001379286.1(ZNF423):c.3367C>T (p.Arg1123Trp)

Gene: ZNF423 (zinc finger protein 423; minus strand). Cytogenetic location: 16q12.1.
Variant type: single nucleotide variant.
Coding change: c.3367C>T on transcript NM_001379286.1 (MANE Select); coding-DNA position 3367, C replaced by T.
Protein change: p.Arg1123Trp; replaces arginine 1123 with tryptophan.
Molecular consequence: missense variant.
Genome position (GRCh38, 1-based): chr16:49,635,809, G>A on the plus strand (C>T on the coding strand, the complement: ZNF423 is on the minus strand). VCF-style: chr16-49635809-G-A. GRCh37 (hg19) VCF-style: chr16-49669720-G-A.
Other names: c.3343C>T (NM_015069.2); c.3163C>T, p.Arg1055Trp (NM_001271620.2); c.2992C>T, p.Arg998Trp (NM_001330533.2); c.3343C>T, p.Arg1115Trp (NM_015069.5); short protein forms R1055W, R998W, R1123W, R1115W.
Identifiers: ClinVar variation 1444427 (VCV001444427.4), dbSNP rs189165264, ClinGen allele CA8046318.

ClinVar aggregate classification (germline): Uncertain significance. Review status: criteria provided, multiple submitters, no conflicts (2 of 4 stars). 2 submissions from 2 submitters: Uncertain significance (2). Last evaluated 2025-10-07.

Conditions:
Nephronophthisis 14 (NPHP14). Identifiers: Orphanet 2318, MedGen C3539071, MONDO:0013916, OMIM 614844.

Allele frequency attached by ClinVar (database versions not stated): gnomAD 0.00001; gnomAD exomes 0.00001 and 0.00002; ExAC 0.00003; 1000 Genomes Project 0.00020; 1000 Genomes Project 30x 0.00016.
gnomAD v4.1: 26 of 1,610,792 alleles (0.0016%); highest among the groups gnomAD compares: Admixed American, 0.0084%; no homozygotes.

Submissions (2):

Ambry Genetics
Classification: Uncertain significance. Last evaluated: 2025-10-07. Review status: criteria provided, single submitter. Criteria: Ambry Variant Classification Scheme 2023. Collection method: clinical testing. Allele origin: germline.

Labcorp Genetics (formerly Invitae), Labcorp
Classification: Uncertain significance for Nephronophthisis 14. Last evaluated: 2021-12-03. Review status: criteria provided, single submitter. Criteria: Invitae Variant Classification Sherloc (09022015). Collection method: clinical testing. Allele origin: germline.
Comment: This sequence change replaces arginine, which is basic and polar, with tryptophan, which is neutral and slightly polar, at codon 1115 of the ZNF423 protein (p.Arg1115Trp). This variant is present in population databases (rs189165264, gnomAD 0.006%). This variant has not been reported in the literature in individuals affected with ZNF423-related conditions. Algorithms developed to predict the effect of missense changes on protein structure and function are either unavailable or do not agree on the potential impact of this missense change (SIFT: "Deleterious"; PolyPhen-2: "Possibly Damaging"; Align-GVGD: "Class C0"). In summary, the available evidence is currently insufficient to determine the role of this variant in disease. Therefore, it has been classified as a Variant of Uncertain Significance.